The following is an entry in ClinVar:

ClinVar aggregate classification (germline): Uncertain significance. Review status: criteria provided, multiple submitters, no conflicts (2 of 4 stars). 2 submissions from 2 submitters: Uncertain significance (2). Last evaluated 2023-10-24.

Conditions:
Cohen syndrome (COH1). Also called: PEPPER SYNDROME; Cutis verticis gyrata, retinitis pigmentosa, and sensorineural deafness. Identifiers: Orphanet 193, MedGen C0265223, MONDO:0008999, OMIM 216550.

Submissions (2):

Labcorp Genetics (formerly Invitae), Labcorp
Classification: Uncertain significance for Cohen syndrome. Last evaluated: 2023-10-24. Review status: criteria provided, single submitter. Criteria: Invitae Variant Classification Sherloc (09022015). Collection method: clinical testing. Allele origin: germline.
Comment: This sequence change replaces serine, which is neutral and polar, with proline, which is neutral and non-polar, at codon 2027 of the VPS13B protein (p.Ser2027Pro). This variant is not present in population databases (gnomAD no frequency). This variant has not been reported in the literature in individuals affected with VPS13B-related conditions. Advanced modeling of protein sequence and biophysical properties (such as structural, functional, and spatial information, amino acid conservation, physicochemical variation, residue mobility, and thermodynamic stability) performed at Invitae indicates that this missense variant is not expected to disrupt VPS13B protein function with a negative predictive value of 80%. In summary, the available evidence is currently insufficient to determine the role of this variant in disease. Therefore, it has been classified as a Variant of Uncertain Significance.

Blueprint Genetics
Classification: Uncertain significance. Last evaluated: 2019-10-25. Review status: criteria provided, single submitter. Criteria: ACMG Guidelines, 2015. Collection method: clinical testing. Allele origin: germline.

NM_152564.5(VPS13B):c.6004T>C (p.Ser2002Pro)

Gene: VPS13B (vacuolar protein sorting 13 homolog B; plus strand). Cytogenetic location: 8q22.2.
Variant type: single nucleotide variant.
Coding change: c.6004T>C on transcript NM_152564.5 (MANE Select); coding-DNA position 6004, T replaced by C.
Protein change: p.Ser2002Pro; replaces serine 2002 with proline.
Molecular consequence: missense variant.
Genome position (GRCh38, 1-based): chr8:99,661,449, T>C. VCF-style: chr8-99661449-T-C. GRCh37 (hg19) VCF-style: chr8-100673677-T-C.
Other names: c.6079T>C, p.Ser2027Pro (NM_017890.5); short protein forms S2002P, S2027P.
Identifiers: ClinVar variation 2722139 (VCV002722139.4), dbSNP rs2491290244, ClinGen allele CA371869041.
Genomic context (GRCh38, chr8:99,661,449, plus strand): 5'-TGCACTGTTTGGCTACAGACAGTGCCTGGAGAAATAGACAGCAAAAGTGGTATTCCACCT[T>C]CCTTTATAACACTACAGATTAAAGACTTTCTGAATGGACCAGGTAAGAAAGTCATAAAAT-3'
Protein context (NP_689777.3, residues 1992-2012): EIDSKSGIPP[Ser2002Pro]FITLQIKDFL